The following is an entry in ClinVar:

NM_001164508.2(NEB):c.24673-1G>C

Genes: NEB (nebulin; minus strand), RIF1 (replication timing regulatory factor 1; plus strand). Cytogenetic location: 2q23.3.
Variant type: single nucleotide variant.
Coding change: c.24673-1G>C on transcript NM_001164508.2 (MANE Select); the canonical splice acceptor site of the intron before coding-DNA position 24673, G replaced by C.
Molecular consequence: splice acceptor variant.
Genome position (GRCh38, 1-based): chr2:151,493,446, C>G on the plus strand (G>C on the coding strand, the complement: NEB is on the minus strand). VCF-style: chr2-151493446-C-G. GRCh37 (hg19) VCF-style: chr2-152349960-C-G.
Other names: c.19105-1G>C (NM_004543.5); c.24673-1G>C (NM_001164507.2); c.24778-1G>C (NM_001271208.2).
Identifiers: ClinVar variation 2853629 (VCV002853629.3), dbSNP rs1574741105, ClinGen allele CA348775094.

ClinVar aggregate classification (germline): Likely pathogenic (1 of 4 stars; one submission).

Conditions:
Nemaline myopathy 2 (NEM2). Also called: Nemaline myopathy 2, autosomal recessive. Identifiers: MedGen C1850569, MONDO:0009725, OMIM 256030.

Submission:

Labcorp Genetics (formerly Invitae), Labcorp
Classification: Likely pathogenic for Nemaline myopathy 2. Last evaluated: 2023-04-08. Review status: criteria provided, single submitter. Criteria: Invitae Variant Classification Sherloc (09022015). Collection method: clinical testing. Allele origin: germline.
Comment: In summary, the currently available evidence indicates that the variant is pathogenic, but additional data are needed to prove that conclusively. Therefore, this variant has been classified as Likely Pathogenic. Algorithms developed to predict the effect of sequence changes on RNA splicing suggest that this variant may disrupt the consensus splice site. This variant has not been reported in the literature in individuals affected with NEB-related conditions. This variant is not present in population databases (gnomAD no frequency). This sequence change affects an acceptor splice site in intron 176 of the NEB gene. It is expected to disrupt RNA splicing. Variants that disrupt the donor or acceptor splice site typically lead to a loss of protein function (PMID: 16199547), and loss-of-function variants in NEB are known to be pathogenic (PMID: 25205138).

Literature cited by the submitters: PubMed 16199547; PubMed 25205138.